The following is an entry in ClinVar:

ClinVar aggregate classification (germline): Uncertain significance (1 of 4 stars; one submission).

Submission:

Labcorp Genetics (formerly Invitae), Labcorp
Classification: Uncertain significance. Last evaluated: 2026-01-13. Review status: criteria provided, single submitter. Criteria: Invitae Variant Classification Sherloc (09022015). Collection method: clinical testing. Allele origin: germline.
Comment: This sequence change replaces glycine, which is neutral and non-polar, with aspartic acid, which is acidic and polar, at codon 122 of the ALPK3 protein (p.Gly122Asp). This variant is not present in population databases (gnomAD no frequency). This variant has not been reported in the literature in individuals affected with ALPK3-related conditions. ClinVar contains an entry for this variant (Variation ID: 4089319). An algorithm developed to predict the effect of missense changes on protein structure and function (PolyPhen-2) suggests that this variant is likely to be tolerated. In summary, the available evidence is currently insufficient to determine the role of this variant in disease. Therefore, it has been classified as a Variant of Uncertain Significance.

NC_000015.10:g.84817211G>A

Gene: ALPK3 (alpha kinase 3; plus strand). Cytogenetic location: 15q25.3.
Variant type: single nucleotide variant.
Genome position: GRCh38 VCF-style: chr15-84817211-G-A. GRCh37 (hg19) VCF-style: chr15-85360442-G-A.
Identifiers: ClinVar variation 3710796 (VCV003710796.2).